The following is an entry in ClinVar:

ClinVar aggregate classification (germline): Uncertain significance (1 of 4 stars; one submission).

Conditions:
Hereditary nonpolyposis colorectal neoplasms. Identifiers: MedGen C0009405, MeSH D003123.

Submission:

Labcorp Genetics (formerly Invitae), Labcorp
Classification: Uncertain significance for Hereditary nonpolyposis colorectal neoplasms. Last evaluated: 2019-09-30. Review status: criteria provided, single submitter. Criteria: Invitae Variant Classification Sherloc (09022015). Collection method: clinical testing. Allele origin: germline.
Comment: This variant has not been reported in the literature in individuals with PMS2-related conditions. The frequency data for this variant in the population databases (ExAC) is considered unreliable due to the presence of homologous sequence, such as pseudogenes or paralogs, in the genome. This sequence change replaces alanine with proline at codon 759 of the PMS2 protein (p.Ala759Pro). The alanine residue is highly conserved and there is a small physicochemical difference between alanine and proline. Algorithms developed to predict the effect of missense changes on protein structure and function are either unavailable or do not agree on the potential impact of this missense change (SIFT: "Deleterious"; PolyPhen-2: "Probably Damaging"; Align-GVGD: "Class C0"). In summary, the available evidence is currently insufficient to determine the role of this variant in disease. Therefore, it has been classified as a Variant of Uncertain Significance.

NM_000535.7(PMS2):c.2275G>C (p.Ala759Pro)

Gene: PMS2 (PMS1 homolog 2, mismatch repair system component; minus strand). Cytogenetic location: 7p22.1.
Variant type: single nucleotide variant.
Coding change: c.2275G>C on transcript NM_000535.7 (MANE Select); coding-DNA position 2275, G replaced by C.
Protein change: p.Ala759Pro; replaces alanine 759 with proline.
Molecular consequence: missense variant. On other transcripts: non-coding transcript variant (1).
Genome position (GRCh38, 1-based): chr7:5,978,596, C>G on the plus strand (G>C on the coding strand, the complement: PMS2 is on the minus strand). VCF-style: chr7-5978596-C-G. GRCh37 (hg19) VCF-style: chr7-6018227-C-G.
Other names: c.1870G>C, p.Ala624Pro (NM_001322003.2, NM_001322004.2, NM_001322005.2); c.2119G>C, p.Ala707Pro (NM_001322006.2); c.1957G>C, p.Ala653Pro (NM_001322007.2, NM_001322008.2); c.1870G>C, p.Val624Leu (NM_001322009.2); c.1714G>C, p.Ala572Pro (NM_001322010.2); c.1342G>C, p.Ala448Pro (NM_001322011.2, NM_001322012.2); c.1702G>C, p.Ala568Pro (NM_001322013.2); c.2275G>C, p.Val759Leu (NM_001322014.2); and 1 more; short protein forms A707P, V624L, A568P, A624P, A653P, A656P, A759P, V759L.
Identifiers: ClinVar variation 967790 (VCV000967790.9), dbSNP rs1554294396, ClinGen allele CA366736394.
Genomic context (GRCh38, chr7:5,978,596, plus strand): 5'-GCTGGGATTACAGACGTGAGCCACCACACCCAGCCGCTATAGTTCTAATTAATAACTTAC[C>G]ATTTTCATCGATAACAAAATCAAAGCCATTCTTTCTAAATATTTCCAGATTTTCTATCAG-3'
Protein context (NP_000526.2, residues 749-769): NGFDFVIDEN[Ala759Pro]PVTERAKLIS